The following is an entry in ClinVar:

NM_015338.6(ASXL1):c.1441T>A (p.Phe481Ile)

Gene: ASXL1 (ASXL transcriptional regulator 1; plus strand). Cytogenetic location: 20q11.21.
Variant type: single nucleotide variant.
Coding change: c.1441T>A on transcript NM_015338.6 (MANE Select); coding-DNA position 1441, T replaced by A.
Protein change: p.Phe481Ile; replaces phenylalanine 481 with isoleucine.
Molecular consequence: missense variant.
Genome position (GRCh38, 1-based): chr20:32,433,639, T>A. VCF-style: chr20-32433639-T-A. GRCh37 (hg19) VCF-style: chr20-31021442-T-A.
Other names: c.1258T>A, p.Phe420Ile (NM_001363734.1); short protein forms F481I, F420I.
Identifiers: ClinVar variation 3955497 (VCV003955497.1).

ClinVar aggregate classification (germline): Uncertain significance (1 of 4 stars; one submission).

Conditions:
Inborn genetic diseases. Identifiers: MedGen C0950123, MeSH D030342.

gnomAD v4.1: 1 of 1,612,612 alleles (0.000062%); highest among the groups gnomAD compares: Non-Finnish European, 0.000085%; no homozygotes.

Submission:

Ambry Genetics
Classification: Uncertain significance for Inborn genetic diseases. Last evaluated: 2025-03-30. Review status: criteria provided, single submitter. Criteria: Ambry Variant Classification Scheme 2023. Collection method: clinical testing. Allele origin: germline.
Comment: The p.F481I variant (also known as c.1441T>A), located in coding exon 12 of the ASXL1 gene, results from a T to A substitution at nucleotide position 1441. The phenylalanine at codon 481 is replaced by isoleucine, an amino acid with highly similar properties. This amino acid position is conserved. In addition, this alteration is predicted to be tolerated by in silico analysis. Based on the available evidence, the clinical significance of this variant remains unclear.